The following is an entry in ClinVar:

ClinVar aggregate classification (germline): Uncertain significance. Review status: criteria provided, multiple submitters, no conflicts (2 of 4 stars). 2 submissions from 2 submitters: Uncertain significance (2). Last evaluated 2025-09-25.

Conditions:
Cardiovascular phenotype. Identifiers: MedGen CN230736.
Hypertrophic cardiomyopathy. Also called: HYPERTROPHIC MYOCARDIOPATHY. Identifiers: Orphanet 217569, MedGen C0007194, MeSH D002312, MONDO:0005045, HP:0001639.

Submissions (2):

Ambry Genetics
Classification: Uncertain significance for Cardiovascular phenotype. Last evaluated: 2025-09-25. Review status: criteria provided, single submitter. Criteria: Ambry Variant Classification Scheme 2023. Collection method: clinical testing. Allele origin: germline.
Comment: The p.S858R variant (also known as c.2574C>G), located in coding exon 25 of the MYBPC3 gene, results from a C to G substitution at nucleotide position 2574. The serine at codon 858 is replaced by arginine, an amino acid with dissimilar properties. This variant was reported in individual(s) with features consistent with MYBPC3-related cardiomyopathy (K&uuml;hnisch J et al. Clin Genet, 2019 Dec;96:549-559; Kolokotronis K et al. Hum Mutat, 2019 Aug;40:1101-1114). This amino acid position is highly conserved in available vertebrate species. In addition, this alteration is predicted to be deleterious by in silico analysis. Based on the available evidence, the clinical significance of this variant remains unclear.

Labcorp Genetics (formerly Invitae), Labcorp
Classification: Uncertain significance for Hypertrophic cardiomyopathy. Last evaluated: 2021-08-21. Review status: criteria provided, single submitter. Criteria: Invitae Variant Classification Sherloc (09022015). Collection method: clinical testing. Allele origin: germline.
Comment: In summary, the available evidence is currently insufficient to determine the role of this variant in disease. Therefore, it has been classified as a Variant of Uncertain Significance. Algorithms developed to predict the effect of missense changes on protein structure and function (SIFT, PolyPhen-2, Align-GVGD) all suggest that this variant is likely to be disruptive. This missense change has been observed in individual(s) with MYBPC3-related conditions (PMID: 30924982). This variant is not present in population databases (ExAC no frequency). This sequence change replaces serine with arginine at codon 858 of the MYBPC3 protein (p.Ser858Arg). The serine residue is highly conserved and there is a moderate physicochemical difference between serine and arginine.

Literature cited by the submitters: PubMed 30924982 (cited by Ambry Genetics and Labcorp Genetics (formerly Invitae), Labcorp); PubMed 31568572 (cited by Ambry Genetics).

NM_000256.3(MYBPC3):c.2574C>G (p.Ser858Arg)

Gene: MYBPC3 (myosin binding protein C3; minus strand). Cytogenetic location: 11p11.2.
Variant type: single nucleotide variant.
Coding change: c.2574C>G on transcript NM_000256.3 (MANE Select); coding-DNA position 2574, C replaced by G.
Protein change: p.Ser858Arg; replaces serine 858 with arginine.
Molecular consequence: missense variant.
Genome position (GRCh38, 1-based): chr11:47,337,419, G>C on the plus strand (C>G on the coding strand, the complement: MYBPC3 is on the minus strand). VCF-style: chr11-47337419-G-C. GRCh37 (hg19) VCF-style: chr11-47358970-G-C.
Other names: short protein forms S858R.
Identifiers: ClinVar variation 1393829 (VCV001393829.7), dbSNP rs1307685460, ClinGen allele CA380318092.